The following is an entry in ClinVar:

NM_005262.3(GFER):c.127G>T (p.Asp43Tyr)

Genes: GFER (growth factor, augmenter of liver regeneration; plus strand), LOC130058203 (ATAC-STARR-seq lymphoblastoid silent region 7014; plus strand). Cytogenetic location: 16p13.3.
Variant type: single nucleotide variant.
Coding change: c.127G>T on transcript NM_005262.3 (MANE Select); coding-DNA position 127, G replaced by T.
Protein change: p.Asp43Tyr; replaces aspartic acid 43 with tyrosine.
Molecular consequence: missense variant.
Genome position (GRCh38, 1-based): chr16:1,984,345, G>T. VCF-style: chr16-1984345-G-T. GRCh37 (hg19) VCF-style: chr16-2034346-G-T.
Other names: short protein forms D43Y.
Identifiers: ClinVar variation 1928065 (VCV001928065.3), dbSNP rs950089553, ClinGen allele CA276772936.
Genomic context (GRCh38, chr16:1,984,345, plus strand): 5'-CGCTCCGAGATGATGGACGACCTGGCGACCGACGCGCGGGGCCGGGGCGCGGGGCGGAGA[G>T]ACGCGGCCGCCTCGGCCTCGACGCCAGCCCAGGCGCCGACCTCCGATTCTCCTGTCGCCG-3'
Protein context (NP_005253.3, residues 33-53): DARGRGAGRR[Asp43Tyr]AAASASTPAQ

ClinVar aggregate classification (germline): Uncertain significance. Review status: criteria provided, multiple submitters, no conflicts (2 of 4 stars). 2 submissions from 2 submitters: Uncertain significance (2). Last evaluated 2022-08-21.

Conditions:
Inborn genetic diseases. Identifiers: MedGen C0950123, MeSH D030342.

Allele frequency attached by ClinVar (database versions not stated): gnomAD 0.00001; TOPMed 0.00002.

Submissions (2):

Labcorp Genetics (formerly Invitae), Labcorp
Classification: Uncertain significance. Last evaluated: 2022-08-21. Review status: criteria provided, single submitter. Criteria: Invitae Variant Classification Sherloc (09022015). Collection method: clinical testing. Allele origin: germline.
Comment: This sequence change replaces aspartic acid, which is acidic and polar, with tyrosine, which is neutral and polar, at codon 43 of the GFER protein (p.Asp43Tyr). This variant is present in population databases (no rsID available, gnomAD 0.04%). This variant has not been reported in the literature in individuals affected with GFER-related conditions. Algorithms developed to predict the effect of missense changes on protein structure and function are either unavailable or do not agree on the potential impact of this missense change (SIFT: "Deleterious"; PolyPhen-2: "Possibly Damaging"; Align-GVGD: "Class C0"). In summary, the available evidence is currently insufficient to determine the role of this variant in disease. Therefore, it has been classified as a Variant of Uncertain Significance.

Ambry Genetics
Classification: Uncertain significance for Inborn genetic diseases. Last evaluated: 2021-07-20. Review status: criteria provided, single submitter. Criteria: Ambry Variant Classification Scheme 2023. Collection method: clinical testing. Allele origin: germline.